The following is an entry in ClinVar:

ClinVar aggregate classification (germline): Uncertain significance (1 of 4 stars; one submission).

Submission:

Labcorp Genetics (formerly Invitae), Labcorp
Classification: Uncertain significance. Last evaluated: 2025-11-26. Review status: criteria provided, single submitter. Criteria: Invitae Variant Classification Sherloc (09022015). Collection method: clinical testing. Allele origin: germline.
Comment: This sequence change creates a premature translational stop signal (p.Ala1160Glyfs*15) in the IGSF10 gene. It is expected to result in an absent or disrupted protein product. However, the current clinical and genetic evidence is not sufficient to establish whether loss-of-function variants in IGSF10 cause disease. This variant is not present in population databases (gnomAD no frequency). This variant has not been reported in the literature in individuals affected with IGSF10-related conditions. In summary, the available evidence is currently insufficient to determine the role of this variant in disease. Therefore, it has been classified as a Variant of Uncertain Significance.

NM_178822.5(IGSF10):c.3457_3478dup (p.Ala1160fs)

Gene: IGSF10 (immunoglobulin superfamily member 10; minus strand). Cytogenetic location: 3q25.1.
Variant type: Duplication.
Coding change: c.3457_3478dup on transcript NM_178822.5 (MANE Select); coding-DNA positions 3457 to 3478, 22 bases duplicated (GAAAAAACTCACAAAGTAAACG).
Protein change: p.Ala1160fs; shifts the reading frame from alanine 1160.
Molecular consequence: frameshift variant.
Genome position (GRCh38, 1-based): chr3:151,446,503-151,446,524, CGTTTACTTTGTGAGTTTTTTC duplicated on the plus strand (GAAAAAACTCACAAAGTAAACG on the coding strand, the reverse complement: IGSF10 is on the minus strand); duplicating any 22 consecutive bases within chr3:151,446,503-151,446,525 gives the same sequence; the c. name uses the placement nearest the transcript's 3' end. VCF-style (leftmost placement, unchanged base first): chr3-151446502-G-GCGTTTACTTTGTGAGTTTTTTC. GRCh37 (hg19) VCF-style: chr3-151164290-G-GCGTTTACTTTGTGAGTTTTTTC.
Other names: c.3457_3478dup, p.Ala1160fs (NM_001385060.1, NM_001385061.1, NM_001385062.1 and 1 more transcripts); short protein forms A1160fs.
Identifiers: ClinVar variation 4763004 (VCV004763004.1).